The following is an entry in ClinVar:

ClinVar aggregate classification (germline): Uncertain significance (0 of 4 stars; one submission).

Conditions:
PLXNA2-related disorder. Also called: PLXNA2-related condition.

gnomAD v4.1: 2 of 1,613,922 alleles (0.00012%); highest among the groups gnomAD compares: African/African-American, 0.0027%; no homozygotes.

Submission:

PreventionGenetics, part of Exact Sciences
Classification: Uncertain significance for PLXNA2-related condition. Last evaluated: 2024-08-07. Review status: no assertion criteria provided. Collection method: clinical testing. Allele origin: germline.
Comment: The PLXNA2 c.1260G>T variant is predicted to result in the amino acid substitution p.Glu420Asp. To our knowledge, this variant has not been reported in the literature. This variant is reported in 0.0062% of alleles in individuals of African descent in gnomAD. At this time, the clinical significance of this variant is uncertain due to the absence of conclusive functional and genetic evidence.

NM_025179.4(PLXNA2):c.1260G>T (p.Glu420Asp)

Gene: PLXNA2 (plexin A2; minus strand). Cytogenetic location: 1q32.2.
Variant type: single nucleotide variant.
Coding change: c.1260G>T on transcript NM_025179.4 (MANE Select); coding-DNA position 1260, G replaced by T.
Protein change: p.Glu420Asp; replaces glutamic acid 420 with aspartic acid.
Molecular consequence: missense variant.
Genome position (GRCh38, 1-based): chr1:208,210,391, C>A on the plus strand (G>T on the coding strand, the complement: PLXNA2 is on the minus strand). VCF-style: chr1-208210391-C-A. GRCh37 (hg19) VCF-style: chr1-208383736-C-A.
Other names: short protein forms E420D.
Identifiers: ClinVar variation 3358224 (VCV003358224.1).